The following is an entry in ClinVar:

NM_001267550.2(TTN):c.63589A>G (p.Ile21197Val)

Genes: TTN (titin; minus strand), TTN-AS1 (TTN antisense RNA 1; plus strand). Cytogenetic location: 2q31.2.
Variant type: single nucleotide variant.
Coding change: c.63589A>G on transcript NM_001267550.2 (MANE Select); coding-DNA position 63589, A replaced by G.
Protein change: p.Ile21197Val; replaces isoleucine 21197 with valine.
Molecular consequence: missense variant.
Genome position (GRCh38, 1-based): chr2:178,587,720, T>C on the plus strand (A>G on the coding strand, the complement: TTN is on the minus strand). VCF-style: chr2-178587720-T-C. GRCh37 (hg19) VCF-style: chr2-179452447-T-C.
Other names: p.I19556V:ATA>GTA; c.58666A>G, p.Ile19556Val (NM_001256850.1); c.36394A>G, p.Ile12132Val (NM_003319.4); c.36769A>G, p.Ile12257Val (NM_133432.3); c.55885A>G, p.Ile18629Val (NM_133378.4); c.36970A>G, p.Ile12324Val (NM_133437.4); short protein forms I21197V, I18629V, I12257V, I19556V, I12132V, I12324V.
Identifiers: ClinVar variation 47197 (VCV000047197.109), dbSNP rs72646855, ClinGen allele CA140295.

ClinVar aggregate classification (germline): Conflicting classifications of pathogenicity. Review status: criteria provided, conflicting classifications (1 of 4 stars). 23 submissions from 19 submitters: Uncertain significance (8); Benign (4); Likely benign (8). 3 of the submissions do not count toward it. Last evaluated 2026-02-03.

Conditions:
Dilated cardiomyopathy 1G (CMD1G). Identifiers: Orphanet 154, MedGen C1858763, MONDO:0011400, OMIM 604145.
Autosomal recessive limb-girdle muscular dystrophy type 2J (LGMDR10). Also called: MUSCULAR DYSTROPHY, LIMB-GIRDLE, AUTOSOMAL RECESSIVE 10; Limb-girdle muscular dystrophy, type 2J. Identifiers: Orphanet 140922, MedGen C1837342, MONDO:0012127, OMIM 608807.
Cardiovascular phenotype. Identifiers: MedGen CN230736.
TTN-related disorder. Also called: TTN-related disorders; TTN-related condition; TTN-related disease.
Cardiomyopathy (CMYO). Also called: Cardiomyopathies. Identifiers: Orphanet 167848, MedGen C0878544, MONDO:0004994, HP:0001638. Inheritance: Various modes of inheritance.
Early-onset myopathy with fatal cardiomyopathy (CMYO5). Also called: CONGENITAL MYOPATHY 5 WITH CARDIOMYOPATHY; Salih Myopathy. Identifiers: Orphanet 289377, MedGen C2673677, MONDO:0012714, OMIM 611705. Disease mechanism: loss of function.
Myopathy, myofibrillar, 9, with early respiratory failure (MFM9). Also called: Myopathy, distal, with early respiratory failure, autosomal dominant; Hereditary myopathy with early respiratory failure; MYOPATHY, PROXIMAL, WITH EARLY RESPIRATORY MUSCLE INVOLVEMENT; EDSTROM MYOPATHY. Identifiers: Orphanet 178464, Orphanet 34521, MedGen C1863599, MONDO:0011362, OMIM 603689.
Tibial muscular dystrophy (TMD). Also called: Udd Distal Myopathy – Tibial Muscular Dystrophy; Tibial muscular dystrophy, tardive; UDD MYOPATHY. Identifiers: Orphanet 609, MedGen C1838244, MONDO:0010870, OMIM 600334.

Allele frequency attached by ClinVar (database versions not stated): gnomAD 0.00054 and 0.00056; ESP Exome Variant Server 0.00058; ExAC 0.00064; gnomAD exomes 0.00077 and 0.00058; TOPMed 0.00060.
gnomAD v4.1: 1,196 of 1,612,896 alleles (0.074%); highest among the groups gnomAD compares: Non-Finnish European, 0.088%; 4 homozygotes.

Submissions 1 to 17 of 23:

Labcorp Genetics (formerly Invitae), Labcorp
Classification: Likely benign for Dilated cardiomyopathy 1G; Autosomal recessive limb-girdle muscular dystrophy type 2J. Last evaluated: 2026-02-03. Review status: criteria provided, single submitter. Criteria: Invitae Variant Classification Sherloc (09022015). Collection method: clinical testing. Allele origin: germline.

CeGaT Center for Human Genetics Tuebingen
Classification: Likely benign. Last evaluated: 2026-02-01. Review status: criteria provided, single submitter. Criteria: CeGaT Center For Human Genetics Tuebingen Variant Classification Criteria Version 2. Collection method: clinical testing. Allele origin: germline. Affected: yes. Observed: 6 variant alleles.
Comment: TTN: BP4

PreventionGenetics, part of Exact Sciences
Classification: Likely benign for TTN-related condition. Last evaluated: 2025-06-17. Review status: criteria provided, single submitter. Criteria: ACMG Guidelines, 2015. Collection method: clinical testing. Allele origin: germline.
Comment: This variant is classified as likely benign based on ACMG/AMP sequence variant interpretation guidelines (Richards et al. 2015 PMID: 25741868, with internal and published modifications).

Laboratory of Genetics, Children's Clinical University Hospital Latvia
Classification: Likely benign. Last evaluated: 2025-02-16. Review status: criteria provided, single submitter. Criteria: ACMG Guidelines, 2015. Collection method: clinical testing. Allele origin: germline. Affected: yes.

Athena Diagnostics
Classification: Benign. Last evaluated: 2024-12-02. Review status: criteria provided, single submitter. Criteria: Athena Diagnostics Criteria. Collection method: clinical testing. Allele origin: unknown.
Comment: The frequency of this variant in the general population is higher than would generally be expected for pathogenic variants in this gene.

Blueprint Genetics
Classification: Likely benign. Last evaluated: 2024-11-23. Review status: criteria provided, single submitter. Criteria: ACMG Guidelines, 2015. Collection method: clinical testing. Allele origin: germline.

ARUP Laboratories, Molecular Genetics and Genomics, ARUP Laboratories
Classification: Uncertain significance. Last evaluated: 2023-08-31. Review status: criteria provided, single submitter. Criteria: ARUP Molecular Germline Variant Investigation Process 2024. Collection method: clinical testing. Allele origin: germline.
Comment: The TTN c.63589A>G; p.Ile21197Val variant (rs72646855; ClinVar Variation ID: 47197) is rare in the general population (<0.2% allele frequency in the Genome Aggregation Database) and has not been reported in the medical literature in association with dilated cardiomyopathy (DCM) or other TTN-related disease. The clinical relevance of rare missense variants in this gene, which are identified on average once per individual sequenced in affected populations (Herman 2012), is not well understood. Yet, evidence suggests that the vast majority of such missense variants do not contribute to the clinical outcome of DCM (Begay 2015). Thus, the clinical significance of the p.Ile21197Val variant cannot be determined with certainty. References: Begay RL et al. Role of Titin Missense Variants in Dilated Cardiomyopathy. J Am Heart Assoc. 2015 Nov 13;4(11). PMID: 26567375. Herman DS et al. Truncations of titin causing dilated cardiomyopathy. N Engl J Med. 2012 Feb 16;366(7):619-28. PMID: 22335739.

Women's Health and Genetics/Laboratory Corporation of America, LabCorp
Classification: Benign. Last evaluated: 2023-05-08. Review status: criteria provided, single submitter. Criteria: LabCorp Variant Classification Summary - May 2015. Collection method: clinical testing. Allele origin: germline.
Comment: Variant summary: TTN c.55885A>G (p.Ile18629Val) results in a conservative amino acid change in the encoded protein sequence. Four of four in-silico tools predict a benign effect of the variant on protein function. The variant allele was found at a frequency of 0.00058 in 247742 control chromosomes. The observed variant frequency is approximately 1.5 fold of the estimated maximal expected allele frequency for a pathogenic variant in TTN causing Dilated Cardiomyopathy phenotype (0.00039), strongly suggesting that the variant is benign. To our knowledge, no occurrence of c.55885A>G in individuals affected with Dilated Cardiomyopathy and no experimental evidence demonstrating its impact on protein function have been reported. Ten clinical diagnostic laboratories have submitted clinical-significance assessments for this variant to ClinVar after 2014 without evidence for independent evaluation. Multiple laboratories reported the variant with conflicting assessments (benign n=1, likely benign n=5, VUS n=4). Based on the evidence outlined above, the variant was classified as benign.

Mayo Clinic Laboratories, Mayo Clinic
Classification: Uncertain significance. Last evaluated: 2023-02-09. Review status: criteria provided, single submitter. Criteria: ACMG Guidelines, 2015. Collection method: clinical testing. Allele origin: germline. Observed: 1 variant allele.
Comment: BP4

GeneDx
Classification: Likely benign. Last evaluated: 2021-02-18. Review status: criteria provided, single submitter. Criteria: GeneDx Variant Classification Process June 2021. Collection method: clinical testing. Allele origin: germline. Affected: yes.

Ambry Genetics
Classification: Likely benign for Cardiovascular phenotype. Last evaluated: 2019-10-04. Review status: criteria provided, single submitter. Criteria: Ambry Variant Classification Scheme 2023. Collection method: clinical testing. Allele origin: germline.

Center for Advanced Laboratory Medicine, UC San Diego Health, University of California San Diego
Classification: Likely benign for Cardiomyopathy. Last evaluated: 2018-05-02. Review status: criteria provided, single submitter. Criteria: ACMG Guidelines, 2015. Collection method: clinical testing. Allele origin: germline. Affected: yes. Observed: 2 variant alleles.

Illumina Laboratory Services, Illumina
Classification: Uncertain significance for Early-onset myopathy with fatal cardiomyopathy. Last evaluated: 2018-01-12. Review status: criteria provided, single submitter. Criteria: ICSL Variant Classification Criteria 13 December 2019. Collection method: clinical testing. Allele origin: germline.

Illumina Laboratory Services, Illumina
Classification: Benign for Tibial muscular dystrophy. Last evaluated: 2018-01-12. Review status: criteria provided, single submitter. Criteria: ICSL Variant Classification Criteria 13 December 2019. Collection method: clinical testing. Allele origin: germline.
Comment: This variant was observed in the ICSL laboratory as part of a predisposition screen in an ostensibly healthy population. It had not been previously curated by ICSL or reported in the Human Gene Mutation Database (HGMD: prior to June 1st, 2018), and was therefore a candidate for classification through an automated scoring system. Utilizing variant allele frequency, disease prevalence and penetrance estimates, and inheritance mode, an automated score was calculated to assess if this variant is too frequent to cause the disease. Based on the score and internal cut-off values, a variant classified as benign is not then subjected to further curation. The score for this variant resulted in a classification of benign for this disease.

Illumina Laboratory Services, Illumina
Classification: Uncertain significance for Dilated cardiomyopathy 1G. Last evaluated: 2018-01-12. Review status: criteria provided, single submitter. Criteria: ICSL Variant Classification Criteria 13 December 2019. Collection method: clinical testing. Allele origin: germline.

Illumina Laboratory Services, Illumina
Classification: Benign for Myopathy, myofibrillar, 9, with early respiratory failure. Last evaluated: 2018-01-12. Review status: criteria provided, single submitter. Criteria: ICSL Variant Classification Criteria 13 December 2019. Collection method: clinical testing. Allele origin: germline.
Comment: the same text as in the submission from Illumina Laboratory Services, Illumina above.

Illumina Laboratory Services, Illumina
Classification: Uncertain significance for Autosomal recessive limb-girdle muscular dystrophy type 2J. Last evaluated: 2018-01-12. Review status: criteria provided, single submitter. Criteria: ICSL Variant Classification Criteria 13 December 2019. Collection method: clinical testing. Allele origin: germline.